The following is an entry in ClinVar:

ClinVar aggregate classification (germline): Conflicting classifications of pathogenicity. Review status: criteria provided, conflicting classifications (1 of 4 stars). 5 submissions from 5 submitters: Uncertain significance (3); Likely benign (1). 1 of the submissions does not count toward it. Last evaluated 2026-01-28.

Conditions:
ATM-related disorder. Also called: ATM-related disorders; ATM-related condition.
Hereditary cancer-predisposing syndrome. Also called: Neoplastic Syndromes, Hereditary; Hereditary neoplastic syndrome; Tumor predisposition; Hereditary Cancer Syndrome. Identifiers: Orphanet 140162, MedGen C0027672, MeSH D009386, MONDO:0015356.
Ataxia-telangiectasia syndrome (AT). Also called: Ataxia telangiectasia (A-T); Cerebello-oculocutaneous telangiectasia; Immunodeficiency with ataxia telangiectasia; LOUIS-BAR SYNDROME; AT, COMPLEMENTATION GROUP C; ATAXIA-TELANGIECTASIA, FRESNO VARIANT. Identifiers: Orphanet 100, MedGen C0004135, MONDO:0008840, OMIM 208900.

Allele frequency attached by ClinVar (database versions not stated): gnomAD exomes 0.00001 and below 0.00001; TOPMed 0.00002; ExAC 0.00001; ESP Exome Variant Server 0.00008; gnomAD 0.00001.
gnomAD v4.1: 5 of 1,612,966 alleles (0.00031%); highest among the groups gnomAD compares: African/African-American, 0.0013%; no homozygotes.

Submissions (5):

PreventionGenetics, part of Exact Sciences
Classification: Uncertain significance for ATM-related condition. Last evaluated: 2026-01-28. Review status: criteria provided, single submitter. Criteria: ACMG Guidelines, 2015. Collection method: clinical testing. Allele origin: germline.
Comment: The ATM c.7902T>G variant is predicted to result in the amino acid substitution p.Asp2634Glu. To our knowledge, this variant has not been reported in the literature. This variant is reported in 0.0062% of alleles in individuals of African descent in gnomAD and is interpreted as uncertain significance in ClinVar (Variation ID: 220528). At this time, the clinical significance of this variant is uncertain due to the absence of conclusive functional and genetic evidence.

Labcorp Genetics (formerly Invitae), Labcorp
Classification: Uncertain significance for Ataxia-telangiectasia syndrome. Last evaluated: 2025-10-18. Review status: criteria provided, single submitter. Criteria: Invitae Variant Classification Sherloc (09022015). Collection method: clinical testing. Allele origin: germline.
Comment: This sequence change replaces aspartic acid, which is acidic and polar, with glutamic acid, which is acidic and polar, at codon 2634 of the ATM protein (p.Asp2634Glu). This variant is present in population databases (rs373147078, gnomAD 0.007%). This variant has not been reported in the literature in individuals affected with ATM-related conditions. ClinVar contains an entry for this variant (Variation ID: 220528). Invitae Evidence Modeling of protein sequence and biophysical properties (such as structural, functional, and spatial information, amino acid conservation, physicochemical variation, residue mobility, and thermodynamic stability) indicates that this missense variant is not expected to disrupt ATM protein function with a negative predictive value of 95%. In summary, the available evidence is currently insufficient to determine the role of this variant in disease. Therefore, it has been classified as a Variant of Uncertain Significance.

Ambry Genetics
Classification: Likely benign for Hereditary cancer-predisposing syndrome. Last evaluated: 2025-09-29. Review status: criteria provided, single submitter. Criteria: Ambry Variant Classification Scheme 2023. Collection method: clinical testing. Allele origin: germline.

Color Diagnostics, LLC DBA Color Health
Classification: Uncertain significance for Hereditary cancer-predisposing syndrome. Last evaluated: 2021-09-01. Review status: criteria provided, single submitter. Criteria: ACMG Guidelines, 2015. Collection method: clinical testing. Allele origin: germline.
Comment: This missense variant replaces aspartic acid with glutamic acid at codon 2634 of the ATM protein. Computational prediction suggests that this variant may not impact protein structure and function (internally defined REVEL score threshold <= 0.5, PMID: 27666373). To our knowledge, functional studies have not been reported for this variant. This variant has not been reported in individuals affected with hereditary cancer in the literature. This variant has been identified in 2/250606 chromosomes in the general population by the Genome Aggregation Database (gnomAD). The available evidence is insufficient to determine the role of this variant in disease conclusively. Therefore, this variant is classified as a Variant of Uncertain Significance.

Natera, Inc.
Classification: Uncertain significance for Ataxia-telangiectasia. Last evaluated: 2020-08-31. Review status: no assertion criteria provided. Collection method: clinical testing. Allele origin: germline. Not counted in ClinVar's aggregate classification.

Literature cited by the submitters: PubMed 40580951 (cited by Ambry Genetics).

NM_000051.4(ATM):c.7902T>G (p.Asp2634Glu)

Genes: ATM (ATM serine/threonine kinase; plus strand), C11orf65 (chromosome 11 open reading frame 65; minus strand). Cytogenetic location: 11q22.3.
Variant type: single nucleotide variant.
Coding change: c.7902T>G on transcript NM_000051.4 (MANE Select); coding-DNA position 7902, T replaced by G.
Protein change: p.Asp2634Glu; replaces aspartic acid 2634 with glutamic acid.
Molecular consequence: missense variant. On other transcripts: intron variant (2).
Genome position (GRCh38, 1-based): chr11:108,332,875, T>G. VCF-style: chr11-108332875-T-G. GRCh37 (hg19) VCF-style: chr11-108203602-T-G.
Other names: c.7902T>G, p.Asp2634Glu (NM_001351834.2); c.641-23804A>C (NM_001330368.2); c.*38+2345A>C (NM_001351110.2); short protein forms D2634E.
Identifiers: ClinVar variation 220528 (VCV000220528.30), dbSNP rs373147078, ClinGen allele CA348440.